The following is an entry in ClinVar:

NM_001370466.1(NOD2):c.1877A>C (p.Glu626Ala)

Gene: NOD2 (nucleotide binding oligomerization domain containing 2; plus strand). Cytogenetic location: 16q12.1.
Variant type: single nucleotide variant.
Coding change: c.1877A>C on transcript NM_001370466.1 (MANE Select); coding-DNA position 1877, A replaced by C.
Protein change: p.Glu626Ala; replaces glutamic acid 626 with alanine.
Molecular consequence: missense variant. On other transcripts: non-coding transcript variant (1).
Genome position (GRCh38, 1-based): chr16:50,711,869, A>C. VCF-style: chr16-50711869-A-C. GRCh37 (hg19) VCF-style: chr16-50745780-A-C.
Other names: c.1877A>C, p.Glu626Ala (NM_001293557.2); c.1958A>C, p.Glu653Ala (NM_022162.3); short protein forms E626A, E653A.
Identifiers: ClinVar variation 3754278 (VCV003754278.2).

ClinVar aggregate classification (germline): Uncertain significance (1 of 4 stars; one submission).

Conditions:
Regional enteritis. Also called: Enteritis, Granulomatous. Identifiers: MedGen C0678202, MeSH D003424.
Blau syndrome (BLAUS). Also called: ARTHROCUTANEOUVEAL GRANULOMATOSIS; GRANULOMATOSIS, FAMILIAL JUVENILE SYSTEMIC; GRANULOMATOSIS, FAMILIAL, BLAU TYPE; GRANULOMATOUS INFLAMMATORY ARTHRITIS, DERMATITIS, AND UVEITIS, FAMILIAL; JABS SYNDROME. Identifiers: Orphanet 90340, MedGen C5201146, MONDO:0008523, OMIM 186580.

Submission:

Labcorp Genetics (formerly Invitae), Labcorp
Classification: Uncertain significance for Regional enteritis; Blau syndrome. Last evaluated: 2024-02-24. Review status: criteria provided, single submitter. Criteria: Invitae Variant Classification Sherloc (09022015). Collection method: clinical testing. Allele origin: germline.
Comment: This sequence change replaces glutamic acid, which is acidic and polar, with alanine, which is neutral and non-polar, at codon 653 of the NOD2 protein (p.Glu653Ala). This variant is not present in population databases (gnomAD no frequency). This variant has not been reported in the literature in individuals affected with NOD2-related conditions. Advanced modeling of protein sequence and biophysical properties (such as structural, functional, and spatial information, amino acid conservation, physicochemical variation, residue mobility, and thermodynamic stability) performed at Invitae indicates that this missense variant is not expected to disrupt NOD2 protein function with a negative predictive value of 95%. In summary, the available evidence is currently insufficient to determine the role of this variant in disease. Therefore, it has been classified as a Variant of Uncertain Significance.